The following is an entry in ClinVar:

ClinVar aggregate classification (germline): Uncertain significance. Review status: criteria provided, multiple submitters, no conflicts (2 of 4 stars). 2 submissions from 2 submitters: Uncertain significance (2). Last evaluated 2026-05-12.

Conditions:
HADHA-related disorder. Also called: HADHA-related condition; HADHA-related disorders.

Submissions (2):

PreventionGenetics, part of Exact Sciences
Classification: Uncertain significance for HADHA-related condition. Last evaluated: 2026-05-12. Review status: criteria provided, single submitter. Criteria: ACMG Guidelines, 2015. Collection method: clinical testing. Allele origin: germline.
Comment: The HADHA c.158G>A variant is predicted to result in the amino acid substitution p.Arg53Gln. To our knowledge, this variant has not been reported in the literature. This variant is reported in 0.016% of alleles in individuals of South Asian descent in gnomAD. At this time, the clinical significance of this variant is uncertain due to the absence of conclusive functional and genetic evidence.

Mayo Clinic Laboratories, Mayo Clinic
Classification: Uncertain significance. Last evaluated: 2025-08-07. Review status: criteria provided, single submitter. Criteria: ACMG Guidelines, 2015. Collection method: clinical testing. Allele origin: germline. Observed: 1 variant allele.
Comment: PM2_supporting

NM_000182.5(HADHA):c.158G>A (p.Arg53Gln)

Gene: HADHA (hydroxyacyl-CoA dehydrogenase trifunctional multienzyme complex subunit alpha; minus strand). Cytogenetic location: 2p23.3.
Variant type: single nucleotide variant.
Coding change: c.158G>A on transcript NM_000182.5 (MANE Select); coding-DNA position 158, G replaced by A.
Protein change: p.Arg53Gln; replaces arginine 53 with glutamine.
Molecular consequence: missense variant.
Genome position (GRCh38, 1-based): chr2:26,238,956, C>T on the plus strand (G>A on the coding strand, the complement: HADHA is on the minus strand). VCF-style: chr2-26238956-C-T. GRCh37 (hg19) VCF-style: chr2-26461824-C-T.
Other names: p.Arg53Gln; c.158G>A (NM_000182.4); short protein forms R53Q.
Identifiers: ClinVar variation 4542544 (VCV004542544.2).